The following is an entry in ClinVar:

NM_170707.4(LMNA):c.1238G>T (p.Gly413Val)

Gene: LMNA (lamin A/C; plus strand). Cytogenetic location: 1q22.
Variant type: single nucleotide variant.
Coding change: c.1238G>T on transcript NM_170707.4 (MANE Select); coding-DNA position 1238, G replaced by T.
Protein change: p.Gly413Val; replaces glycine 413 with valine.
Molecular consequence: missense variant.
Genome position (GRCh38, 1-based): chr1:156,136,294, G>T. VCF-style: chr1-156136294-G-T. GRCh37 (hg19) VCF-style: chr1-156106085-G-T.
Other names: c.902G>T, p.Gly301Val (NM_001257374.3, NM_001406989.1, NM_001406998.1); c.995G>T, p.Gly332Val (NM_001282624.2, NM_001406986.1, NM_001406987.1); c.1238G>T, p.Gly413Val (NM_001282625.2, NM_001282626.2, NM_001406983.1 and 6 more transcripts); c.941G>T, p.Gly314Val (NM_001406988.1); c.614G>T, p.Gly205Val (NM_001407000.1, NM_001407001.1, NM_001406994.1 and 1 more transcripts); c.680G>T, p.Gly227Val (NM_001407002.1, NM_001407003.1, NM_001406990.1 and 4 more transcripts); short protein forms G205V, G227V, G301V, G314V, G332V, G413V.
Identifiers: ClinVar variation 4757945 (VCV004757945.1).

ClinVar aggregate classification (germline): Uncertain significance (1 of 4 stars; one submission).

Conditions:
Cardiomyopathy (CMYO). Also called: Cardiomyopathies. Identifiers: Orphanet 167848, MedGen C0878544, MONDO:0004994, HP:0001638. Inheritance: Various modes of inheritance.

Submission:

Color Diagnostics, LLC DBA Color Health
Classification: Uncertain significance for Cardiomyopathy. Last evaluated: 2025-08-25. Review status: criteria provided, single submitter. Criteria: ACMG Guidelines, 2015. Collection method: clinical testing. Allele origin: germline.
Comment: This missense variant replaces glycine with valine at codon 413 of the LMNA protein. Computational prediction suggests that this variant may not impact protein structure and function. To our knowledge, functional studies have not been reported for this variant. This variant has not been reported in individuals affected with LMNA-related disorders in the literature. This variant has not been identified in the general population by the Genome Aggregation Database (gnomAD). The available evidence is insufficient to determine the role of this variant in disease conclusively. Therefore, this variant is classified as a Variant of Uncertain Significance.